The following is an entry in ClinVar:

NM_000553.6(WRN):c.2260C>T (p.Leu754Phe)

Gene: WRN (WRN RecQ like helicase; plus strand). Cytogenetic location: 8p12.
Variant type: single nucleotide variant.
Coding change: c.2260C>T on transcript NM_000553.6 (MANE Select); coding-DNA position 2260, C replaced by T.
Protein change: p.Leu754Phe; replaces leucine 754 with phenylalanine.
Molecular consequence: missense variant.
Genome position (GRCh38, 1-based): chr8:31,111,786, C>T. VCF-style: chr8-31111786-C-T. GRCh37 (hg19) VCF-style: chr8-30969302-C-T.
Other names: short protein forms L754F.
Identifiers: ClinVar variation 1361137 (VCV001361137.6), dbSNP rs2130284783, ClinGen allele CA370912915.
Genomic context (GRCh38, chr8:31,111,786, plus strand): 5'-AACCTGTATTTAGAAGTTAGGCGAAAAACAGGGAATATCCTTCAGGATCTGCAGCCATTT[C>T]TTGTCAAAACAAGGTAAGGATTTAATGGTTGATGAATTTTGGTAATGATTTCCTTTTTTT-3'
Protein context (NP_000544.2, residues 744-764): GNILQDLQPF[Leu754Phe]VKTSSHWEFE

ClinVar aggregate classification (germline): Uncertain significance (1 of 4 stars; one submission).

Conditions:
Werner syndrome (WRN). Identifiers: Orphanet 902, MedGen C0043119, MONDO:0010196, OMIM 277700.

Allele frequency attached by ClinVar (database versions not stated): gnomAD exomes below 0.00001.
gnomAD v4.1: 1 of 1,612,422 alleles (0.000062%); highest among the groups gnomAD compares: Non-Finnish European, 0.000085%; no homozygotes.

Submission:

Labcorp Genetics (formerly Invitae), Labcorp
Classification: Uncertain significance for Werner syndrome. Last evaluated: 2024-12-17. Review status: criteria provided, single submitter. Criteria: Invitae Variant Classification Sherloc (09022015). Collection method: clinical testing. Allele origin: germline.
Comment: This sequence change replaces leucine, which is neutral and non-polar, with phenylalanine, which is neutral and non-polar, at codon 754 of the WRN protein (p.Leu754Phe). This variant is not present in population databases (gnomAD no frequency). This variant has not been reported in the literature in individuals affected with WRN-related conditions. ClinVar contains an entry for this variant (Variation ID: 1361137). An algorithm developed to predict the effect of missense changes on protein structure and function (PolyPhen-2) suggests that this variant is likely to be disruptive. In summary, the available evidence is currently insufficient to determine the role of this variant in disease. Therefore, it has been classified as a Variant of Uncertain Significance.